The following is an entry in ClinVar:

ClinVar aggregate classification (germline): Uncertain significance (1 of 4 stars; one submission).

Conditions:
Axenfeld-Rieger syndrome type 3 (RIEG3). Also called: AXENFELD-RIEGER ANOMALY WITH CARDIAC DEFECTS AND/OR SENSORINEURAL HEARING LOSS. Identifiers: Orphanet 782, MedGen C2678503, MONDO:0011233, OMIM 602482.

Submission:

Labcorp Genetics (formerly Invitae), Labcorp
Classification: Uncertain significance for Axenfeld-Rieger syndrome type 3. Last evaluated: 2024-04-16. Review status: criteria provided, single submitter. Criteria: Invitae Variant Classification Sherloc (09022015). Collection method: clinical testing. Allele origin: germline.
Comment: This sequence change replaces isoleucine, which is neutral and non-polar, with methionine, which is neutral and non-polar, at codon 313 of the FOXC1 protein (p.Ile313Met). This variant is not present in population databases (gnomAD no frequency). This variant has not been reported in the literature in individuals affected with FOXC1-related conditions. An algorithm developed to predict the effect of missense changes on protein structure and function (PolyPhen-2) suggests that this variant is likely to be disruptive. In summary, the available evidence is currently insufficient to determine the role of this variant in disease. Therefore, it has been classified as a Variant of Uncertain Significance.

NM_001453.3(FOXC1):c.939C>G (p.Ile313Met)

Gene: FOXC1 (forkhead box C1; plus strand). Cytogenetic location: 6p25.3.
Variant type: single nucleotide variant.
Coding change: c.939C>G on transcript NM_001453.3 (MANE Select); coding-DNA position 939, C replaced by G.
Protein change: p.Ile313Met; replaces isoleucine 313 with methionine.
Molecular consequence: missense variant.
Genome position (GRCh38, 1-based): chr6:1,611,384, C>G. VCF-style: chr6-1611384-C-G. GRCh37 (hg19) VCF-style: chr6-1611619-C-G.
Other names: short protein forms I313M.
Identifiers: ClinVar variation 3650156 (VCV003650156.2).